The following is an entry in ClinVar:

NM_017649.5(CNNM2):c.1925C>G (p.Ser642Cys)

Gene: CNNM2 (cyclin and CBS domain divalent metal cation transport mediator 2; plus strand). Cytogenetic location: 10q24.32.
Variant type: single nucleotide variant.
Coding change: c.1925C>G on transcript NM_017649.5 (MANE Select); coding-DNA position 1925, C replaced by G.
Protein change: p.Ser642Cys; replaces serine 642 with cysteine.
Molecular consequence: missense variant.
Genome position (GRCh38, 1-based): chr10:103,056,816, C>G. VCF-style: chr10-103056816-C-G. GRCh37 (hg19) VCF-style: chr10-104816573-C-G.
Other names: c.1925C>G, p.Ser642Cys (NM_199076.3); short protein forms S642C.
Identifiers: ClinVar variation 4806095 (VCV004806095.1).
Genomic context (GRCh38, chr10:103,056,816, plus strand): 5'-TGTTTGAAATGTAATATCAAGTTGTGTTTATATCTATAGAAGTAGAAGCATTTAGCCCAT[C>G]CCAGATGTCAGAGAAGATCCTTCTAAGGCTGCTAAAGCACCCCAATGTCATCCAGGAACT-3'
Protein context (NP_060119.3, residues 632-652): LATEVEAFSP[Ser642Cys]QMSEKILLRL

ClinVar aggregate classification (germline): Uncertain significance (1 of 4 stars; one submission).

Submission:

Labcorp Genetics (formerly Invitae), Labcorp
Classification: Uncertain significance. Last evaluated: 2025-09-09. Review status: criteria provided, single submitter. Criteria: Invitae Variant Classification Sherloc (09022015). Collection method: clinical testing. Allele origin: germline.
Comment: This sequence change replaces serine, which is neutral and polar, with cysteine, which is neutral and slightly polar, at codon 642 of the CNNM2 protein (p.Ser642Cys). This variant is not present in population databases (gnomAD no frequency). This variant has not been reported in the literature in individuals affected with CNNM2-related conditions. Invitae Evidence Modeling of protein sequence and biophysical properties (such as structural, functional, and spatial information, amino acid conservation, physicochemical variation, residue mobility, and thermodynamic stability) indicates that this missense variant is not expected to disrupt CNNM2 protein function with a negative predictive value of 80%. In summary, the available evidence is currently insufficient to determine the role of this variant in disease. Therefore, it has been classified as a Variant of Uncertain Significance.